The following is an entry in ClinVar:

NM_017780.4(CHD7):c.1314G>T (p.Gln438His)

Gene: CHD7 (chromodomain helicase DNA binding protein 7; plus strand). Cytogenetic location: 8q12.2.
Variant type: single nucleotide variant.
Coding change: c.1314G>T on transcript NM_017780.4 (MANE Select); coding-DNA position 1314, G replaced by T.
Protein change: p.Gln438His; replaces glutamine 438 with histidine.
Molecular consequence: missense variant.
Genome position (GRCh38, 1-based): chr8:60,742,746, G>T. VCF-style: chr8-60742746-G-T. GRCh37 (hg19) VCF-style: chr8-61655305-G-T.
Other names: c.1314G>T, p.Gln438His (NM_001316690.1); short protein forms Q438H.
Identifiers: ClinVar variation 3671633 (VCV003671633.2).

ClinVar aggregate classification (germline): Uncertain significance (1 of 4 stars; one submission).

Conditions:
CHARGE syndrome (CHARGE). Also called: Hittner Hirsch Kreh syndrome; CHARGE ASSOCIATION--COLOBOMA, HEART ANOMALY, CHOANAL ATRESIA, RETARDATION, GENITAL AND EAR ANOMALIES; Coloboma, heart anomaly, choanal atresia, retardation, genital and ear anomalies; CHARGE association; Hall-Hittner syndrome. Identifiers: Orphanet 138, MedGen C0265354, MONDO:0008965.

Submission:

Labcorp Genetics (formerly Invitae), Labcorp
Classification: Uncertain significance for CHARGE syndrome. Last evaluated: 2024-11-04. Review status: criteria provided, single submitter. Criteria: Invitae Variant Classification Sherloc (09022015). Collection method: clinical testing. Allele origin: germline.
Comment: This sequence change replaces glutamine, which is neutral and polar, with histidine, which is basic and polar, at codon 438 of the CHD7 protein (p.Gln438His). This variant is not present in population databases (gnomAD no frequency). This variant has not been reported in the literature in individuals affected with CHD7-related conditions. Invitae Evidence Modeling of protein sequence and biophysical properties (such as structural, functional, and spatial information, amino acid conservation, physicochemical variation, residue mobility, and thermodynamic stability) indicates that this missense variant is not expected to disrupt CHD7 protein function with a negative predictive value of 95%. In summary, the available evidence is currently insufficient to determine the role of this variant in disease. Therefore, it has been classified as a Variant of Uncertain Significance.